The following is an entry in ClinVar:

NM_000748.3(CHRNB2):c.720C>A (p.Asn240Lys)

Gene: CHRNB2 (cholinergic receptor nicotinic beta 2 subunit; plus strand). Cytogenetic location: 1q21.3.
Variant type: single nucleotide variant.
Coding change: c.720C>A on transcript NM_000748.3 (MANE Select); coding-DNA position 720, C replaced by A.
Protein change: p.Asn240Lys; replaces asparagine 240 with lysine.
Molecular consequence: missense variant.
Genome position (GRCh38, 1-based): chr1:154,571,543, C>A. VCF-style: chr1-154571543-C-A. GRCh37 (hg19) VCF-style: chr1-154544019-C-A.
Other names: short protein forms N240K.
Identifiers: ClinVar variation 5008688 (VCV005008688.1).
Genomic context (GRCh38, chr1:154,571,543, plus strand): 5'-GTACGTGGACATCACGTATGACTTCATCATTCGCCGCAAGCCGCTCTTCTACACCATCAA[C>A]CTCATCATCCCCTGTGTGCTCATCACCTCGCTAGCCATCCTTGTCTTCTACCTGCCATCC-3'
Protein context (NP_000739.1, residues 230-250): IRRKPLFYTI[Asn240Lys]LIIPCVLITS

ClinVar aggregate classification (germline): Uncertain significance (1 of 4 stars; one submission).

gnomAD v4.1: 1 of 1,614,190 alleles (0.000062%); highest among the groups gnomAD compares: East Asian, 0.0022%; no homozygotes.

Submission:

GeneDx
Classification: Uncertain significance. Last evaluated: 2026-03-06. Review status: criteria provided, single submitter. Criteria: GeneDx Variant Classification Process June 2021. Collection method: clinical testing. Allele origin: germline.
Comment: Not observed at significant frequency in large population cohorts (gnomAD); In silico analysis supports that this missense variant has a deleterious effect on protein structure/function; Has not been previously published as pathogenic or benign to our knowledge